The following is an entry in ClinVar:

NM_015102.5(NPHP4):c.2865C>T (p.Ile955=)

Gene: NPHP4 (nephrocystin 4; minus strand). Cytogenetic location: 1p36.31.
Variant type: single nucleotide variant.
Coding change: c.2865C>T on transcript NM_015102.5 (MANE Select); coding-DNA position 2865, C replaced by T.
Protein change: p.Ile955=; no amino-acid change (isoleucine 955 retained).
Molecular consequence: synonymous variant. On other transcripts: non-coding transcript variant (1).
Genome position (GRCh38, 1-based): chr1:5,875,053, G>A on the plus strand (C>T on the coding strand, the complement: NPHP4 is on the minus strand). VCF-style: chr1-5875053-G-A. GRCh37 (hg19) VCF-style: chr1-5935113-G-A.
Other names: c.1326C>T, p.Ile442= (NM_001291593.2); c.1329C>T, p.Ile443= (NM_001291594.2); c.2865C>T (NM_015102.4).
Identifiers: ClinVar variation 1161691 (VCV001161691.10), dbSNP rs771271850, ClinGen allele CA553895.

ClinVar aggregate classification (germline): Likely benign. Review status: criteria provided, multiple submitters, no conflicts (2 of 4 stars). 2 submissions from 2 submitters: Likely benign (2). Last evaluated 2024-10-14.

Conditions:
NPHP4-related disorder. Also called: NPHP4-related condition; NPHP4-related disorders. Identifiers: MedGen CN239384.
Nephronophthisis. Also called: Juvenile Nephronophthisis. Identifiers: Orphanet 655, MedGen C0687120, MONDO:0019005, HP:0000090.

Allele frequency attached by ClinVar (database versions not stated): gnomAD 0.00001; ExAC 0.00002; gnomAD exomes 0.00002 and 0.00005; TOPMed 0.00002.
gnomAD v4.1: 69 of 1,607,960 alleles (0.0043%); highest among the groups gnomAD compares: Admixed American, 0.005%; no homozygotes.

Submissions (2):

PreventionGenetics, part of Exact Sciences
Classification: Likely benign for NPHP4-related condition. Last evaluated: 2024-10-14. Review status: criteria provided, single submitter. Criteria: ACMG Guidelines, 2015. Collection method: clinical testing. Allele origin: germline.
Comment: This variant is classified as likely benign based on ACMG/AMP sequence variant interpretation guidelines (Richards et al. 2015 PMID: 25741868, with internal and published modifications).

Labcorp Genetics (formerly Invitae), Labcorp
Classification: Likely benign for Nephronophthisis. Last evaluated: 2019-12-14. Review status: criteria provided, single submitter. Criteria: Invitae Variant Classification Sherloc (09022015). Collection method: clinical testing. Allele origin: germline.